The following is an entry in ClinVar:

ClinVar aggregate classification (germline): Benign (1 of 4 stars; one submission).

Submission:

CeGaT Center for Human Genetics Tuebingen
Classification: Benign. Last evaluated: 2026-09-01. Review status: criteria provided, single submitter. Criteria: CeGaT Center For Human Genetics Tuebingen Variant Classification Criteria Version 2. Collection method: clinical testing. Allele origin: germline. Affected: yes. Observed: 2 variant alleles.
Comment: CUX1: BP4, BS1, BS2

NM_181552.4(CUX1):c.1632C>T (p.Ser544=)

Gene: CUX1 (cut like homeobox 1; plus strand). Cytogenetic location: 7q22.1.
Variant type: single nucleotide variant.
Coding change: c.1632C>T on transcript NM_181552.4 (MANE Select); coding-DNA position 1632, C replaced by T.
Protein change: p.Ser544=; no amino-acid change (serine 544 retained).
Molecular consequence: synonymous variant. On other transcripts: intron variant (5).
Genome position (GRCh38, 1-based): chr7:102,197,043, C>T. VCF-style: chr7-102197043-C-T. GRCh37 (hg19) VCF-style: chr7-101840323-C-T.
Other names: c.1665C>T, p.Ser555= (NM_001202543.2); c.1255+1440C>T (NM_001913.5); c.1249+1440C>T (NM_181500.4); c.1117+1440C>T (NM_001202545.3); c.1207+1440C>T (NM_001202544.3); c.1138+1440C>T (NM_001202546.3).
Identifiers: ClinVar variation 4872946 (VCV004872946.2).